The following is an entry in ClinVar:

ClinVar aggregate classification (germline): Uncertain significance. Review status: criteria provided, multiple submitters, no conflicts (2 of 4 stars). 2 submissions from 2 submitters: Uncertain significance (2). Last evaluated 2022-06-29.

Conditions:
Developmental and epileptic encephalopathy, 12 (DEE12). Identifiers: MedGen C3150988, MONDO:0013389, OMIM 613722.

Allele frequency attached by ClinVar (database versions not stated): TOPMed below 0.00001.
gnomAD v4.1: 3 of 1,613,520 alleles (0.00019%); highest among the groups gnomAD compares: Non-Finnish European, 0.00025%; no homozygotes.

Submissions (2):

Labcorp Genetics (formerly Invitae), Labcorp
Classification: Uncertain significance for Developmental and epileptic encephalopathy, 12. Last evaluated: 2022-06-29. Review status: criteria provided, single submitter. Criteria: Invitae Variant Classification Sherloc (09022015). Collection method: clinical testing. Allele origin: germline.
Comment: In summary, the available evidence is currently insufficient to determine the role of this variant in disease. Therefore, it has been classified as a Variant of Uncertain Significance. This sequence change replaces alanine, which is neutral and non-polar, with valine, which is neutral and non-polar, at codon 295 of the PNKP protein (p.Ala295Val). This variant is present in population databases (rs753695701, gnomAD 0.0009%). This variant has not been reported in the literature in individuals affected with PNKP-related conditions. ClinVar contains an entry for this variant (Variation ID: 423891). Algorithms developed to predict the effect of missense changes on protein structure and function (SIFT, PolyPhen-2, Align-GVGD) all suggest that this variant is likely to be tolerated.

GeneDx
Classification: Uncertain significance. Last evaluated: 2017-02-24. Review status: criteria provided, single submitter. Criteria: GeneDx Variant Classification (06012015). Collection method: clinical testing. Allele origin: germline. Affected: yes.
Comment: A variant of uncertain significance has been identified in the PNKP gene. The A295V variant has not been published as a pathogenic variant, nor has it been reported as a benign variant to our knowledge. The A295V variant is not observed at a significant frequency in large population cohorts (Lek et al., 2016; 1000 Genomes Consortium et al., 2015; Exome Variant Server). This substitution occurs at a position that is conserved in mammals. However, the A295V variant is a conservative amino acid substitution, which is not likely to impact secondary protein structure as these residues share similar properties. In silico analysis is inconsistent in its predictions as to whether or not the variant is damaging to the protein structure/function. Therefore, based on the currently available information, it is unclear whether this variant is a pathogenic variant or a rare benign variant.

NM_007254.4(PNKP):c.884C>T (p.Ala295Val)

Gene: PNKP (polynucleotide kinase 3'-phosphatase; minus strand). Cytogenetic location: 19q13.33.
Variant type: single nucleotide variant.
Coding change: c.884C>T on transcript NM_007254.4 (MANE Select); coding-DNA position 884, C replaced by T.
Protein change: p.Ala295Val; replaces alanine 295 with valine.
Molecular consequence: missense variant.
Genome position (GRCh38, 1-based): chr19:49,862,590, G>A on the plus strand (C>T on the coding strand, the complement: PNKP is on the minus strand). VCF-style: chr19-49862590-G-A. GRCh37 (hg19) VCF-style: chr19-50365847-G-A.
Other names: short protein forms A295V.
Identifiers: ClinVar variation 423891 (VCV000423891.9), dbSNP rs753695701, ClinGen allele CA9586720.